The following is an entry in ClinVar:

ClinVar aggregate classification (germline): Uncertain significance (1 of 4 stars; one submission).

Submission:

Labcorp Genetics (formerly Invitae), Labcorp
Classification: Uncertain significance. Last evaluated: 2022-07-25. Review status: criteria provided, single submitter. Criteria: Invitae Variant Classification Sherloc (09022015). Collection method: clinical testing. Allele origin: germline.
Comment: This variant, c.292_306del, results in the deletion of 5 amino acid(s) of the SERPINH1 protein (p.Ser98_Leu102del), but otherwise preserves the integrity of the reading frame. This variant is not present in population databases (gnomAD no frequency). This variant has not been reported in the literature in individuals affected with SERPINH1-related conditions. ClinVar contains an entry for this variant (Variation ID: 1519780). Experimental studies and prediction algorithms are not available or were not evaluated, and the functional significance of this variant is currently unknown. In summary, the available evidence is currently insufficient to determine the role of this variant in disease. Therefore, it has been classified as a Variant of Uncertain Significance.

NM_001235.5(SERPINH1):c.292_306del (p.Ser98_Leu102del)

Gene: SERPINH1 (serpin family H member 1; plus strand). Cytogenetic location: 11q13.5.
Variant type: Deletion.
Coding change: c.292_306del on transcript NM_001235.5 (MANE Select); coding-DNA positions 292 to 306, 15 bases deleted (AGCGCCGAGCAGCTG).
Protein change: p.Ser98_Leu102del.
Molecular consequence: inframe deletion.
Genome position (GRCh38, 1-based): chr11:75,566,641-75,566,655, AGCGCCGAGCAGCTG deleted; deleting any 15 consecutive bases within chr11:75,566,637-75,566,655 gives the same sequence; the c. name uses the placement nearest the transcript's 3' end. VCF-style (leftmost placement, unchanged base first): chr11-75566636-TGCTGAGCGCCGAGCA-T. GRCh37 (hg19) VCF-style: chr11-75277681-TGCTGAGCGCCGAGCA-T.
Other names: c.292_306del, p.Ser98_Leu102del (NM_001207014.3).
Identifiers: ClinVar variation 1519780 (VCV001519780.5), dbSNP rs2135551616, ClinGen allele CA2573147798.